The following is an entry in ClinVar:

NM_004519.4(KCNQ3):c.313C>T (p.Arg105Trp)

Gene: KCNQ3 (potassium voltage-gated channel subfamily Q member 3; minus strand). Cytogenetic location: 8q24.22.
Variant type: single nucleotide variant.
Coding change: c.313C>T on transcript NM_004519.4 (MANE Select); coding-DNA position 313, C replaced by T.
Protein change: p.Arg105Trp; replaces arginine 105 with tryptophan.
Molecular consequence: missense variant.
Genome position (GRCh38, 1-based): chr8:132,480,220, G>A on the plus strand (C>T on the coding strand, the complement: KCNQ3 is on the minus strand). VCF-style: chr8-132480220-G-A. GRCh37 (hg19) VCF-style: chr8-133492467-G-A.
Other names: short protein forms R105W.
Identifiers: ClinVar variation 2966202 (VCV002966202.3), dbSNP rs766185814, ClinGen allele CA4880979.

ClinVar aggregate classification (germline): Uncertain significance (1 of 4 stars; one submission).

Conditions:
Benign neonatal seizures. Also called: Benign neonatal familial convulsions; Convulsions benign familial neonatal dominant form; Autosomal dominant form of benign neonatal seizures; Benign familial neonatal epilepsy; Benign familial neonatal seizures. Identifiers: Orphanet 1949, MedGen C0220669, MONDO:0016027.

Allele frequency attached by ClinVar (database versions not stated): ExAC 0.00002.
gnomAD v4.1: 7 of 1,613,332 alleles (0.00043%); highest among the groups gnomAD compares: Non-Finnish European, 0.00025%; no homozygotes.

Submission:

Labcorp Genetics (formerly Invitae), Labcorp
Classification: Uncertain significance for Benign neonatal seizures. Last evaluated: 2023-11-08. Review status: criteria provided, single submitter. Criteria: Invitae Variant Classification Sherloc (09022015). Collection method: clinical testing. Allele origin: germline.
Comment: This sequence change replaces arginine, which is basic and polar, with tryptophan, which is neutral and slightly polar, at codon 105 of the KCNQ3 protein (p.Arg105Trp). This variant is present in population databases (rs766185814, gnomAD 0.005%). This variant has not been reported in the literature in individuals affected with KCNQ3-related conditions. Advanced modeling of protein sequence and biophysical properties (such as structural, functional, and spatial information, amino acid conservation, physicochemical variation, residue mobility, and thermodynamic stability) has been performed at Invitae for this missense variant, however the output from this modeling did not meet the statistical confidence thresholds required to predict the impact of this variant on KCNQ3 protein function. In summary, the available evidence is currently insufficient to determine the role of this variant in disease. Therefore, it has been classified as a Variant of Uncertain Significance.